The following is an entry in ClinVar:

ClinVar aggregate classification (germline): Uncertain significance (1 of 4 stars; one submission).

Conditions:
Cerebellar dysfunction with variable cognitive and behavioral abnormalities (CECBA). Also called: Nonprogressive cerebellar atxia with intellectual disability. Identifiers: Orphanet 314647, MedGen C3553661, MONDO:0013886, OMIM 614756.

gnomAD v4.1: 9 of 1,612,504 alleles (0.00056%); highest among the groups gnomAD compares: Middle Eastern, 0.016%; no homozygotes.

Submission:

Dasa
Classification: Uncertain significance for Cerebellar dysfunction with variable cognitive and behavioral abnormalities. Last evaluated: 2025-10-30. Review status: criteria provided, single submitter. Criteria: DASA Assertion Criteria. Collection method: clinical testing. Allele origin: germline.
Comment: NM_015215.4(CAMTA1):c.1708C>T (p.Pro570Ser) is a missense variant that results in the substitution of proline with serine. This variant is rare in population databases. Computational prediction algorithms are consistent with a benign effect. The currently available literature and clinical evidence are not sufficient to establish a definitive association between this variant and the reported condition. Therefore, this variant is classified as a variant of uncertain significance.

NM_015215.4(CAMTA1):c.1708C>T (p.Pro570Ser)

Gene: CAMTA1 (calmodulin binding transcription activator 1; plus strand). Cytogenetic location: 1p36.23.
Variant type: single nucleotide variant.
Coding change: c.1708C>T on transcript NM_015215.4 (MANE Select); coding-DNA position 1708, C replaced by T.
Protein change: p.Pro570Ser; replaces proline 570 with serine.
Molecular consequence: missense variant.
Genome position (GRCh38, 1-based): chr1:7,664,255, C>T. VCF-style: chr1-7664255-C-T. GRCh37 (hg19) VCF-style: chr1-7724315-C-T.
Other names: c.1618C>T, p.Pro540Ser (NM_001349608.2, NM_001349612.2); c.1708C>T, p.Pro570Ser (NM_001349609.2, NM_001349610.2, NM_001410737.1); c.1636C>T, p.Pro546Ser (NM_001410738.1); short protein forms P540S, P546S, P570S.
Identifiers: ClinVar variation 4881801 (VCV004881801.2).